The following is an entry in ClinVar:

ClinVar aggregate classification (germline): Uncertain significance. Review status: criteria provided, multiple submitters, no conflicts (2 of 4 stars). 2 submissions from 2 submitters: Uncertain significance (2). Last evaluated 2023-01-25.

Conditions:
Desmin-related myofibrillar myopathy (MFM1). Also called: MYOFIBRILLAR MYOPATHY WITH ARRHYTHMOGENIC RIGHT VENTRICULAR CARDIOMYOPATHY; DESMIN-RELATED MYOPATHY WITH ARRHYTHMOGENIC RIGHT VENTRICULAR CARDIOMYOPATHY; Myofibrillar myopathy 1; Desminopathy; Desmin related myopathy (former name); Desmin storage myopathy (former name). Identifiers: Orphanet 363543, Orphanet 98909, MedGen C1832370, MONDO:0011076, OMIM 601419.

Allele frequency attached by ClinVar (database versions not stated): gnomAD exomes below 0.00001; TOPMed below 0.00001; ExAC 0.00001; gnomAD 0.00001; ESP Exome Variant Server 0.00008.
gnomAD v4.1: 3 of 1,614,018 alleles (0.00019%); highest among the groups gnomAD compares: South Asian, 0.0011%; no homozygotes.

Submissions (2):

Labcorp Genetics (formerly Invitae), Labcorp
Classification: Uncertain significance for Desmin-related myofibrillar myopathy. Last evaluated: 2023-01-25. Review status: criteria provided, single submitter. Criteria: Invitae Variant Classification Sherloc (09022015). Collection method: clinical testing. Allele origin: germline.
Comment: In summary, the available evidence is currently insufficient to determine the role of this variant in disease. Therefore, it has been classified as a Variant of Uncertain Significance. Algorithms developed to predict the effect of missense changes on protein structure and function (SIFT, PolyPhen-2, Align-GVGD) all suggest that this variant is likely to be tolerated. ClinVar contains an entry for this variant (Variation ID: 201724). This variant has not been reported in the literature in individuals affected with DES-related conditions. This variant is present in population databases (rs375005961, gnomAD 0.0009%). This sequence change replaces methionine, which is neutral and non-polar, with isoleucine, which is neutral and non-polar, at codon 349 of the DES protein (p.Met349Ile).

GeneDx
Classification: Uncertain significance. Last evaluated: 2011-09-19. Review status: criteria provided, single submitter. Criteria: GeneDx Variant Classification (06012015). Collection method: clinical testing. Allele origin: germline. Affected: yes.
Comment: p.Met349Ile (ATG>ATA): c.1047 G>A in exon 6 of DES gene. The Met349Ile variant in the DES gene has not been reported previously as a disease-causing mutation or as a benign polymorphism, to our knowledge. Met349Ile results in a conservative amino acid substitution of one non-polar residue for another. However, the Met349 residue is highly conserved throughout evolution. In addition, this variant occurs in the 2B domain of the protein where other mutations (Leu345Pro, Arg350Trp, Arg350Pro) have been reported in association with desmin-related myopathy, providing further support for the functional importance of this region of the protein. In summary, with the clinical and molecular information available at this time, the clinical significance of the Met349Ile variant is not clear. The variant is found in DCM panel(s).

NM_001927.4(DES):c.1047G>A (p.Met349Ile)

Gene: DES (desmin; plus strand). Cytogenetic location: 2q35.
Variant type: single nucleotide variant.
Coding change: c.1047G>A on transcript NM_001927.4 (MANE Select); coding-DNA position 1047, G replaced by A.
Protein change: p.Met349Ile; replaces methionine 349 with isoleucine.
Molecular consequence: missense variant.
Genome position (GRCh38, 1-based): chr2:219,421,363, G>A. VCF-style: chr2-219421363-G-A. GRCh37 (hg19) VCF-style: chr2-220286085-G-A.
Other names: p.M349I:ATG>ATA; c.1047G>A (LRG_380t1); short protein forms M349I.
Identifiers: ClinVar variation 201724 (VCV000201724.5), dbSNP rs375005961, ClinGen allele CA308322.